The following is an entry in ClinVar:

NM_001382391.1(CSPP1):c.1827G>A (p.Gln609=)

Gene: CSPP1 (centrosome and spindle pole associated protein 1; plus strand). Cytogenetic location: 8q13.2.
Variant type: single nucleotide variant.
Coding change: c.1827G>A on transcript NM_001382391.1 (MANE Select); coding-DNA position 1827, G replaced by A.
Protein change: p.Gln609=; no amino-acid change (glutamine 609 retained).
Molecular consequence: synonymous variant.
Genome position (GRCh38, 1-based): chr8:67,132,080, G>A. VCF-style: chr8-67132080-G-A. GRCh37 (hg19) VCF-style: chr8-68044315-G-A.
Other names: c.930G>A, p.Gln310= (NM_001291339.2); c.1746G>A, p.Gln582= (NM_001363131.2); c.1785G>A, p.Gln595= (NM_001363132.2); c.1704G>A, p.Gln568= (NM_001363133.2); c.1893G>A, p.Gln631= (NM_001364869.1); c.1713G>A, p.Gln571= (NM_001364870.1); c.1812G>A, p.Gln604= (NM_024790.7).
Identifiers: ClinVar variation 1998731 (VCV001998731.4), dbSNP rs1327310473, ClinGen allele CA461297126.

ClinVar aggregate classification (germline): Uncertain significance (1 of 4 stars; one submission).

Conditions:
Joubert syndrome 21 (JBTS21). Identifiers: MedGen C3810212, MONDO:0014288, OMIM 615636.

Submission:

Labcorp Genetics (formerly Invitae), Labcorp
Classification: Uncertain significance for Joubert syndrome 21. Last evaluated: 2022-10-13. Review status: criteria provided, single submitter. Criteria: Invitae Variant Classification Sherloc (09022015). Collection method: clinical testing. Allele origin: germline.
Comment: In summary, the available evidence is currently insufficient to determine the role of this variant in disease. Therefore, it has been classified as a Variant of Uncertain Significance. Variants that disrupt the consensus splice site are a relatively common cause of aberrant splicing (PMID: 17576681, 9536098). Algorithms developed to predict the effect of sequence changes on RNA splicing suggest that this variant may disrupt the consensus splice site. This variant has not been reported in the literature in individuals affected with CSPP1-related conditions. This variant is not present in population databases (gnomAD no frequency). This sequence change affects codon 604 of the CSPP1 mRNA. It is a 'silent' change, meaning that it does not change the encoded amino acid sequence of the CSPP1 protein. This variant also falls at the last nucleotide of exon 14, which is part of the consensus splice site for this exon.

Literature cited by the submitters: PubMed 17576681; PubMed 9536098.